The following is an entry in ClinVar:

ClinVar aggregate classification (germline): Uncertain significance (1 of 4 stars; one submission).

Allele frequency attached by ClinVar (database versions not stated): gnomAD exomes below 0.00001.
gnomAD v4.1: 1 of 1,613,948 alleles (0.000062%); highest among the groups gnomAD compares: Non-Finnish European, 0.000085%; no homozygotes.

Submission:

Labcorp Genetics (formerly Invitae), Labcorp
Classification: Uncertain significance. Last evaluated: 2021-05-13. Review status: criteria provided, single submitter. Criteria: Invitae Variant Classification Sherloc (09022015). Collection method: clinical testing. Allele origin: germline.
Comment: This sequence change replaces isoleucine with valine at codon 596 of the ARMC9 protein (p.Ile596Val). The isoleucine residue is weakly conserved and there is a small physicochemical difference between isoleucine and valine. This variant is not present in population databases (ExAC no frequency). This variant has not been reported in the literature in individuals with ARMC9-related conditions. Experimental studies and prediction algorithms are not available or were not evaluated, and the functional significance of this variant is currently unknown. In summary, the available evidence is currently insufficient to determine the role of this variant in disease. Therefore, it has been classified as a Variant of Uncertain Significance.

NM_001352754.2(ARMC9):c.1786A>G (p.Ile596Val)

Gene: ARMC9 (armadillo repeat containing 9; plus strand). Cytogenetic location: 2q37.1.
Variant type: single nucleotide variant.
Coding change: c.1786A>G on transcript NM_001352754.2 (MANE Select); coding-DNA position 1786, A replaced by G.
Protein change: p.Ile596Val; replaces isoleucine 596 with valine.
Molecular consequence: missense variant. On other transcripts: non-coding transcript variant (1), intron variant (1).
Genome position (GRCh38, 1-based): chr2:231,331,805, A>G. VCF-style: chr2-231331805-A-G. GRCh37 (hg19) VCF-style: chr2-232196517-A-G.
Other names: c.1786A>G, p.Ile596Val (NM_001271466.4, NM_001291656.2, NM_001352755.2 and 2 more transcripts); c.1687A>G, p.Ile563Val (NM_001352757.2, NM_001352758.2); c.1774-13170A>G (NM_001352759.2); short protein forms I563V, I596V.
Identifiers: ClinVar variation 1476675 (VCV001476675.6), dbSNP rs2125557962, ClinGen allele CA350963027.